The following is an entry in ClinVar:

ClinVar aggregate classification (germline): Uncertain significance (1 of 4 stars; one submission).

Conditions:
Cardiovascular phenotype. Identifiers: MedGen CN230736.

gnomAD v4.1: 1 of 1,604,072 alleles (0.000062%); highest among the groups gnomAD compares: Non-Finnish European, 0.000085%; no homozygotes.

Submission:

Ambry Genetics
Classification: Uncertain significance for Cardiovascular phenotype. Last evaluated: 2025-10-09. Review status: criteria provided, single submitter. Criteria: Ambry Variant Classification Scheme 2023. Collection method: clinical testing. Allele origin: germline.
Comment: The p.H3178D variant (also known as c.9532C>G), located in coding exon 67 of the RYR2 gene, results from a C to G substitution at nucleotide position 9532. The histidine at codon 3178 is replaced by aspartic acid, an amino acid with similar properties. This amino acid position is well conserved in available vertebrate species. In addition, the in silico prediction for this alteration is inconclusive. Based on the available evidence, the clinical significance of this variant remains unclear.

NM_001035.3(RYR2):c.9532C>G (p.His3178Asp)

Gene: RYR2 (ryanodine receptor 2; plus strand). Cytogenetic location: 1q43.
Variant type: single nucleotide variant.
Coding change: c.9532C>G on transcript NM_001035.3 (MANE Select); coding-DNA position 9532, C replaced by G.
Protein change: p.His3178Asp; replaces histidine 3178 with aspartic acid.
Molecular consequence: missense variant.
Genome position (GRCh38, 1-based): chr1:237,705,295, C>G. VCF-style: chr1-237705295-C-G. GRCh37 (hg19) VCF-style: chr1-237868595-C-G.
Other names: short protein forms H3178D.
Identifiers: ClinVar variation 4614850 (VCV004614850.1).